The following is an entry in ClinVar:

NM_003823.4(TNFRSF6B):c.474C>G (p.Phe158Leu)

Genes: RTEL1-TNFRSF6B (RTEL1-TNFRSF6B readthrough (NMD candidate); plus strand), TNFRSF6B (TNF receptor superfamily member 6b; plus strand). Cytogenetic location: 20q13.33.
Variant type: single nucleotide variant.
Coding change: c.474C>G on transcript NM_003823.4 (MANE Select); coding-DNA position 474, C replaced by G.
Protein change: p.Phe158Leu; replaces phenylalanine 158 with leucine.
Molecular consequence: missense variant. On other transcripts: non-coding transcript variant (1).
Genome position (GRCh38, 1-based): chr20:63,697,377, C>G. VCF-style: chr20-63697377-C-G. GRCh37 (hg19) VCF-style: chr20-62328730-C-G.
Other names: short protein forms F158L.
Identifiers: ClinVar variation 1719003 (VCV001719003.6), dbSNP rs1467043652, ClinGen allele CA409711532.

ClinVar aggregate classification (germline): Uncertain significance (1 of 4 stars; one submission).

Allele frequency attached by ClinVar (database versions not stated): gnomAD 0.00001.

Submission:

Labcorp Genetics (formerly Invitae), Labcorp
Classification: Uncertain significance. Last evaluated: 2023-08-04. Review status: criteria provided, single submitter. Criteria: Invitae Variant Classification Sherloc (09022015). Collection method: clinical testing. Allele origin: germline.
Comment: In summary, the available evidence is currently insufficient to determine the role of this variant in disease. Therefore, it has been classified as a Variant of Uncertain Significance. This sequence change replaces phenylalanine, which is neutral and non-polar, with leucine, which is neutral and non-polar, at codon 158 of the TNFRSF6B protein (p.Phe158Leu). This variant is present in population databases (no rsID available, gnomAD 0.0008%). This variant has not been reported in the literature in individuals affected with TNFRSF6B-related conditions. ClinVar contains an entry for this variant (Variation ID: 1719003). An algorithm developed to predict the effect of missense changes on protein structure and function (PolyPhen-2) suggests that this variant is likely to be disruptive.